The following is an entry in ClinVar:

ClinVar aggregate classification (germline): Uncertain significance (1 of 4 stars; one submission).

Submission:

GeneDx
Classification: Uncertain significance. Last evaluated: 2022-01-11. Review status: criteria provided, single submitter. Criteria: GeneDx Variant Classification Process June 2021. Collection method: clinical testing. Allele origin: germline. Affected: yes.
Comment: Has not been previously published as pathogenic or benign to our knowledge; Not observed at significant frequency in large population cohorts (gnomAD); In silico analysis supports that this missense variant does not alter protein structure/function

NM_006005.3(WFS1):c.1787A>T (p.Lys596Met)

Gene: WFS1 (wolframin ER transmembrane glycoprotein; plus strand). Cytogenetic location: 4p16.1.
Variant type: single nucleotide variant.
Coding change: c.1787A>T on transcript NM_006005.3 (MANE Select); coding-DNA position 1787, A replaced by T.
Protein change: p.Lys596Met; replaces lysine 596 with methionine.
Molecular consequence: missense variant.
Genome position (GRCh38, 1-based): chr4:6,301,582, A>T. VCF-style: chr4-6301582-A-T. GRCh37 (hg19) VCF-style: chr4-6303309-A-T.
Other names: c.1787A>T, p.Lys596Met (NM_001145853.1); short protein forms K596M.
Identifiers: ClinVar variation 1695463 (VCV001695463.2), dbSNP rs2109126504, ClinGen allele CA356176850.
Genomic context (GRCh38, chr4:6,301,582, plus strand): 5'-GCCTGGCCCTGGTGGGCGTGCTGCAGTTCGCCCGGTGGTTCACGTCTCTGGAGCTCACCA[A>T]GATCGCAGTCACCGTGGCGGTCTGTAGTGTGCCCCTGCTGTTGCGCTGGTGGACCAAGGC-3'
Protein context (NP_005996.2, residues 586-606): ARWFTSLELT[Lys596Met]IAVTVAVCSV